The following is an entry in ClinVar:

ClinVar aggregate classification (germline): Pathogenic (1 of 4 stars; one submission).

Conditions:
Hereditary cancer-predisposing syndrome. Also called: Hereditary Cancer Syndrome; Hereditary neoplastic syndrome; Neoplastic Syndromes, Hereditary; Tumor predisposition. Identifiers: Orphanet 140162, MedGen C0027672, MeSH D009386, MONDO:0015356.

Submission:

Ambry Genetics
Classification: Pathogenic for Hereditary cancer-predisposing syndrome. Last evaluated: 2025-09-10. Review status: criteria provided, single submitter. Criteria: Ambry Variant Classification Scheme 2023. Collection method: clinical testing. Allele origin: germline.
Comment: The c.255_265del11insGAGG pathogenic mutation, located in coding exon 1 of the CDKN1B gene, results from the deletion of 11 nucleotides and insertion of 4 nucleotides causing a translational frameshift with a predicted alternate stop codon (p.E86Rfs*31). This variant is considered to be rare based on population cohorts in the Genome Aggregation Database (gnomAD). This alteration is expected to result in loss of function by premature protein truncation or nonsense-mediated mRNA decay. As such, this alteration is interpreted as a disease-causing mutation.

NM_004064.5(CDKN1B):c.255_265delinsGAGG (p.Glu86fs)

Gene: CDKN1B (cyclin dependent kinase inhibitor 1B; plus strand). Cytogenetic location: 12p13.1.
Variant type: Indel.
Coding change: c.255_265delinsGAGG on transcript NM_004064.5 (MANE Select); coding-DNA positions 255 to 265, CGAGTTCTACT replaced by GAGG.
Protein change: p.Glu86fs; shifts the reading frame from glutamic acid 86.
Molecular consequence: frameshift variant.
Genome position (GRCh38, 1-based): chr12:12,718,094-12,718,104, CGAGTTCTACT replaced by GAGG. VCF-style: chr12-12718094-CGAGTTCTACT-GAGG. GRCh37 (hg19) VCF-style: chr12-12871028-CGAGTTCTACT-GAGG.
Other names: short protein forms E86fs.
Identifiers: ClinVar variation 4224757 (VCV004224757.1).